The following is an entry in ClinVar:

ClinVar aggregate classification (germline): Benign/Likely benign. Review status: criteria provided, multiple submitters, no conflicts (2 of 4 stars). 8 submissions from 8 submitters: Benign (2); Likely benign (5). 1 of the submissions does not count toward it. Last evaluated 2025-12-03.

Conditions:
ZEB2-related disorder. Also called: ZEB2-related condition.
Inborn genetic diseases. Identifiers: MedGen C0950123, MeSH D030342.
Mowat-Wilson syndrome (MOWS). Also called: Classic Mowat-Wilson Syndrome. Identifiers: Orphanet 2152, MedGen C1856113, MONDO:0009341, OMIM 235730.

Allele frequency attached by ClinVar (database versions not stated): TOPMed 0.00004; gnomAD 0.00003.
gnomAD v4.1: 157 of 1,614,046 alleles (0.0097%); highest among the groups gnomAD compares: Non-Finnish European, 0.013%; no homozygotes.

Submissions (8):

Labcorp Genetics (formerly Invitae), Labcorp
Classification: Likely benign for Mowat-Wilson syndrome. Last evaluated: 2025-12-03. Review status: criteria provided, single submitter. Criteria: Invitae Variant Classification Sherloc (09022015). Collection method: clinical testing. Allele origin: germline.

Fulgent Genetics
Classification: Likely benign for Mowat-Wilson syndrome. Last evaluated: 2022-04-04. Review status: criteria provided, single submitter. Criteria: ACMG Guidelines, 2015. Collection method: clinical testing. Allele origin: unknown.

Ambry Genetics
Classification: Likely benign for Inborn genetic diseases. Last evaluated: 2022-01-31. Review status: criteria provided, single submitter. Criteria: Ambry Variant Classification Scheme 2023. Collection method: clinical testing. Allele origin: germline.

Genome-Nilou Lab
Classification: Benign for Mowat-Wilson syndrome. Last evaluated: 2021-11-07. Review status: criteria provided, single submitter. Criteria: ACMG Guidelines, 2015. Collection method: clinical testing. Allele origin: germline. Affected: no.

GeneDx
Classification: Likely benign. Last evaluated: 2019-03-04. Review status: criteria provided, single submitter. Criteria: GeneDx Variant Classification Process June 2021. Collection method: clinical testing. Allele origin: germline. Affected: yes.

Center for Pediatric Genomic Medicine, Children's Mercy Hospital and Clinics
Classification: Likely benign. Last evaluated: 2017-03-20. Review status: criteria provided, single submitter. Criteria: ACMG Guidelines, 2015. Collection method: clinical testing. Allele origin: germline.

Eurofins Ntd Llc (ga)
Classification: Benign. Last evaluated: 2012-10-12. Review status: criteria provided, single submitter. Criteria: EGL Classification Definitions 2015. Collection method: clinical testing. Allele origin: germline. Observed: 3 variant alleles, 3 heterozygotes.

PreventionGenetics, part of Exact Sciences
Classification: Likely benign for ZEB2-related condition. Last evaluated: 2021-11-12. Review status: no assertion criteria provided. Collection method: clinical testing. Allele origin: germline. Not counted in ClinVar's aggregate classification.
Comment: This variant is classified as likely benign based on ACMG/AMP sequence variant interpretation guidelines (Richards et al. 2015 PMID: 25741868, with internal and published modifications).

NM_014795.4(ZEB2):c.2255C>T (p.Thr752Met)

Gene: ZEB2 (zinc finger E-box binding homeobox 2; minus strand). Cytogenetic location: 2q22.3.
Variant type: single nucleotide variant.
Coding change: c.2255C>T on transcript NM_014795.4 (MANE Select); coding-DNA position 2255, C replaced by T.
Protein change: p.Thr752Met; replaces threonine 752 with methionine.
Molecular consequence: missense variant.
Genome position (GRCh38, 1-based): chr2:144,398,932, G>A on the plus strand (C>T on the coding strand, the complement: ZEB2 is on the minus strand). VCF-style: chr2-144398932-G-A. GRCh37 (hg19) VCF-style: chr2-145156499-G-A.
Other names: p.T752M:ACG>ATG; c.2183C>T, p.Thr728Met (NM_001171653.2); short protein forms T752M, T728M.
Identifiers: ClinVar variation 95631 (VCV000095631.25), dbSNP rs143438888, ClinGen allele CA148678.